The following is an entry in ClinVar:

ClinVar aggregate classification (germline): Likely benign. Review status: criteria provided, multiple submitters, no conflicts (2 of 4 stars). 4 submissions from 4 submitters: Likely benign (4). Last evaluated 2025-12-30.

Conditions:
Cardiovascular phenotype. Identifiers: MedGen CN230736.
Alstrom syndrome (ALMS). Identifiers: Orphanet 64, MedGen C0268425, MONDO:0008763, OMIM 203800.

Allele frequency attached by ClinVar (database versions not stated): ExAC 0.00004; gnomAD 0.00005; TOPMed 0.00005; 1000 Genomes Project 30x 0.00016; 1000 Genomes Project 0.00020.
gnomAD v4.1: 22 of 1,613,960 alleles (0.0014%); highest among the groups gnomAD compares: African/African-American, 0.013%; no homozygotes.

Submissions (4):

Labcorp Genetics (formerly Invitae), Labcorp
Classification: Likely benign for Alstrom syndrome. Last evaluated: 2025-12-30. Review status: criteria provided, single submitter. Criteria: Invitae Variant Classification Sherloc (09022015). Collection method: clinical testing. Allele origin: germline.

Blueprint Genetics
Classification: Likely benign. Last evaluated: 2022-07-26. Review status: criteria provided, single submitter. Criteria: ACMG Guidelines, 2015. Collection method: clinical testing. Allele origin: germline.

Ambry Genetics
Classification: Likely benign for Cardiovascular phenotype. Last evaluated: 2018-12-29. Review status: criteria provided, single submitter. Criteria: Ambry Variant Classification Scheme 2023. Collection method: clinical testing. Allele origin: germline.

GeneDx
Classification: Likely benign. Last evaluated: 2017-12-06. Review status: criteria provided, single submitter. Criteria: GeneDx Variant Classification (06012015). Collection method: clinical testing. Allele origin: germline. Affected: yes.
Comment: This variant is considered likely benign or benign based on one or more of the following criteria: it is a conservative change, it occurs at a poorly conserved position in the protein, it is predicted to be benign by multiple in silico algorithms, and/or has population frequency not consistent with disease.

NM_001378454.1(ALMS1):c.2874C>T (p.Ser958=)

Gene: ALMS1 (ALMS1 centrosome and basal body associated protein; plus strand). Cytogenetic location: 2p13.1.
Variant type: single nucleotide variant.
Coding change: c.2874C>T on transcript NM_001378454.1 (MANE Select); coding-DNA position 2874, C replaced by T.
Protein change: p.Ser958=; no amino-acid change (serine 958 retained).
Molecular consequence: synonymous variant.
Genome position (GRCh38, 1-based): chr2:73,449,401, C>T. VCF-style: chr2-73449401-C-T. GRCh37 (hg19) VCF-style: chr2-73676528-C-T.
Other names: c.2877C>T, p.Ser959= (NM_015120.4).
Identifiers: ClinVar variation 513923 (VCV000513923.12), dbSNP rs541122374, ClinGen allele CA1713427.